The following is an entry in ClinVar:

NM_012188.5(FOXI1):c.78C>T (p.Pro26=)

Gene: FOXI1 (forkhead box I1; plus strand). Cytogenetic location: 5q35.1.
Variant type: single nucleotide variant.
Coding change: c.78C>T on transcript NM_012188.5 (MANE Select); coding-DNA position 78, C replaced by T.
Protein change: p.Pro26=; no amino-acid change (proline 26 retained).
Molecular consequence: synonymous variant.
Genome position (GRCh38, 1-based): chr5:170,106,035, C>T. VCF-style: chr5-170106035-C-T. GRCh37 (hg19) VCF-style: chr5-169533039-C-T.
Other names: c.78C>T, p.Pro26= (NM_144769.4); c.78C>T (NM_012188.4).
Identifiers: ClinVar variation 2420797 (VCV002420797.7), dbSNP rs751079599, ClinGen allele CA447971036.

ClinVar aggregate classification (germline): Likely benign. Review status: criteria provided, single submitter (1 of 4 stars). 2 submissions from 2 submitters: Likely benign (1). 1 of the submissions does not count toward it. Last evaluated 2023-05-23.

Conditions:
FOXI1-related disorder. Also called: FOXI1-related condition.

gnomAD v4.1: 29 of 1,612,402 alleles (0.0018%); highest among the groups gnomAD compares: Non-Finnish European, 0.0025%; no homozygotes.

Submissions (2):

Labcorp Genetics (formerly Invitae), Labcorp
Classification: Likely benign. Last evaluated: 2023-05-23. Review status: criteria provided, single submitter. Criteria: Invitae Variant Classification Sherloc (09022015). Collection method: clinical testing. Allele origin: germline.

PreventionGenetics, part of Exact Sciences
Classification: Likely benign for FOXI1-related condition. Last evaluated: 2019-07-11. Review status: no assertion criteria provided. Collection method: clinical testing. Allele origin: germline. Not counted in ClinVar's aggregate classification.
Comment: This variant is classified as likely benign based on ACMG/AMP sequence variant interpretation guidelines (Richards et al. 2015 PMID: 25741868, with internal and published modifications).